The following is an entry in ClinVar:

NM_001244008.2(KIF1A):c.3494T>A (p.Ile1165Asn)

Gene: KIF1A (kinesin family member 1A; minus strand). Cytogenetic location: 2q37.3.
Variant type: single nucleotide variant.
Coding change: c.3494T>A on transcript NM_001244008.2 (MANE Select); coding-DNA position 3494, T replaced by A.
Protein change: p.Ile1165Asn; replaces isoleucine 1165 with asparagine.
Molecular consequence: missense variant.
Genome position (GRCh38, 1-based): chr2:240,744,032, A>T on the plus strand (T>A on the coding strand, the complement: KIF1A is on the minus strand). VCF-style: chr2-240744032-A-T. GRCh37 (hg19) VCF-style: chr2-241683449-A-T.
Other names: c.3218T>A, p.Ile1073Asn (NM_001320705.2, NM_001330289.2, NM_001379638.1); c.3293T>A, p.Ile1098Asn (NM_001330290.2, NM_001379634.1, NM_001379635.1 and 1 more transcripts); c.3569T>A, p.Ile1190Asn (NM_001379631.1); c.3443T>A, p.Ile1148Asn (NM_001379632.1); c.3467T>A, p.Ile1156Asn (NM_001379633.1, NM_001379642.1, NM_001379645.1); c.3191T>A, p.Ile1064Asn (NM_001379636.1, NM_001379639.1, NM_001379641.1 and 5 more transcripts); c.3266T>A, p.Ile1089Asn (NM_001379637.1, NM_001379648.1); c.3188T>A, p.Ile1063Asn (NM_001379640.1); short protein forms I1063N, I1064N, I1073N, I1089N, I1098N, I1148N, I1156N, I1165N.
Identifiers: ClinVar variation 1013911 (VCV001013911.9), dbSNP rs35698242, ClinGen allele CA351316952.
Genomic context (GRCh38, chr2:240,744,032, plus strand): 5'-GGGTGCTGCTGGTAGTGGCCAAAGACCTCGAAAACAATGGGCTGGCTCTTGATGTACTCA[A>T]TGAAGGACTTGGTCACCTCCACTGCGATCTGGTGGGCAGGCAGGTGGGAGGACAGGAGGG-3'
Protein context (NP_001230937.1, residues 1155-1175): NIAVEVTKSF[Ile1165Asn]EYIKSQPIVF

ClinVar aggregate classification (germline): Uncertain significance (1 of 4 stars; one submission).

Conditions:
Neuropathy, hereditary sensory, type 2C. Also called: Hereditary sensory and autonomic neuropathy type IIC; KIF1A-Related HSAN2 (HSAN2C). Identifiers: Orphanet 970, MedGen C3280168, MONDO:0013634, OMIM 614213.
Intellectual disability, autosomal dominant 9 (NESCAVS). Also called: KIF1A-Related Neurodevelopmental Disorder; NESCAV SYNDROME. Identifiers: Orphanet 662367, MedGen C5393830, MONDO:0013656, OMIM 614255.
Hereditary spastic paraplegia 30. Identifiers: Orphanet 101010, MedGen C5235139, MONDO:0012476.

gnomAD v4.1: 10 of 1,613,698 alleles (0.00062%); highest among the groups gnomAD compares: Non-Finnish European, 0.00085%; no homozygotes.

Submission:

Labcorp Genetics (formerly Invitae), Labcorp
Classification: Uncertain significance for Hereditary spastic paraplegia 30; Neuropathy, hereditary sensory, type 2C; Intellectual disability, autosomal dominant 9. Last evaluated: 2020-03-14. Review status: criteria provided, single submitter. Criteria: Invitae Variant Classification Sherloc (09022015). Collection method: clinical testing. Allele origin: germline.
Comment: This variant has not been reported in the literature in individuals with KIF1A-related conditions. In summary, the available evidence is currently insufficient to determine the role of this variant in disease. Therefore, it has been classified as a Variant of Uncertain Significance. Algorithms developed to predict the effect of missense changes on protein structure and function (SIFT, PolyPhen-2, Align-GVGD) all suggest that this variant is likely to be disruptive, but these predictions have not been confirmed by published functional studies and their clinical significance is uncertain. This variant is not present in population databases (ExAC no frequency). This sequence change replaces isoleucine with asparagine at codon 1064 of the KIF1A protein (p.Ile1064Asn). The isoleucine residue is highly conserved and there is a large physicochemical difference between isoleucine and asparagine.